The following is an entry in ClinVar:

ClinVar aggregate classification (germline): Likely pathogenic (1 of 4 stars; one submission).

Conditions:
Coffin-Siris syndrome 1 (CSS1). Also called: Mental retardation, autosomal dominant 12; ARID1B-Related Coffin-Siris Syndrome. Identifiers: Orphanet 1465, MedGen C3281201, MONDO:0007617, OMIM 135900. Disease mechanism: gain of function.

Submission:

Rady Children's Institute for Genomic Medicine, Rady Children's Hospital San Diego
Classification: Likely pathogenic for Coffin-Siris syndrome 1. Last evaluated: 2017-07-25. Review status: criteria provided, single submitter. Criteria: ACMG Guidelines, 2015. Collection method: clinical testing. Allele origin: germline. Inheritance: Autosomal dominant inheritance. Affected: yes.
Comment: The ARID1B gene is one of 5 genes known to cause Coffis-Siris Syndrome 1 when mutated. The c.3096_3100delCAAAG (p.Lys1033ArgfsTer32) is a novel frameshift alteration leading to a premature termination codon. This deletion was not found in the 1000 Genomes, Exome Variant Server (EVS) or ExAC databases. Thus, it is presumed to be rare. The Lys1033 amino acid residue is highly conserved. Although this particular variant has not been reported in the literature, pathogenic similar alteration are reported (Hoyer et al. 2012). Based on the combined evidence, this variant is classified as likely pathogenic for Coffin-Siris Syndrome 1.

NM_001374828.1(ARID1B):c.3306_3310del (p.Lys1103fs)

Gene: ARID1B (AT-rich interaction domain 1B; plus strand). Cytogenetic location: 6q25.3.
Variant type: Deletion.
Coding change: c.3306_3310del on transcript NM_001374828.1 (MANE Select); coding-DNA positions 3306 to 3310, 5 bases deleted (CAAAG; older notation c.3306_3310delCAAAG).
Protein change: p.Lys1103fs; shifts the reading frame from lysine 1103.
Molecular consequence: frameshift variant.
Genome position (GRCh38, 1-based): chr6:157,174,078-157,174,082, CAAAG deleted; deleting any 5 consecutive bases within chr6:157,174,077-157,174,082 gives the same sequence; the c. name uses the placement nearest the transcript's 3' end. VCF-style (leftmost placement, unchanged base first): chr6-157174076-GGCAAA-G. GRCh37 (hg19) VCF-style: chr6-157495210-GGCAAA-G.
Other names: c.3096_3100delCAAAG (NM_020732.3); c.3306_3310del, p.Lys1103fs (NM_017519.3); c.807_811del, p.Lys270fs (NM_001363725.2); c.3345_3349del, p.Lys1116fs (NM_001371656.1, NM_001374820.1); short protein forms K270fs, K1103fs, K1116fs.
Identifiers: ClinVar variation 430942 (VCV000430942.2), dbSNP rs1131692263, ClinGen allele CA645372436.